The following is an entry in ClinVar:

ClinVar aggregate classification (germline): Uncertain significance (1 of 4 stars; one submission).

gnomAD v4.1: 1 of 1,613,912 alleles (0.000062%); highest among the groups gnomAD compares: Admixed American, 0.0017%; no homozygotes.

Submission:

CeGaT Center for Human Genetics Tuebingen
Classification: Uncertain significance. Last evaluated: 2024-07-01. Review status: criteria provided, single submitter. Criteria: CeGaT Center For Human Genetics Tuebingen Variant Classification Criteria Version 2. Collection method: clinical testing. Allele origin: germline. Affected: yes. Observed: 1 variant allele.
Comment: EP400: PM2

NM_015409.5(EP400):c.6565C>T (p.Arg2189Ter)

Gene: EP400 (E1A binding protein p400; plus strand). Cytogenetic location: 12q24.33.
Variant type: single nucleotide variant.
Coding change: c.6565C>T on transcript NM_015409.5 (MANE Select); coding-DNA position 6565, C replaced by T.
Protein change: p.Arg2189Ter; replaces arginine 2189 with a stop codon.
Molecular consequence: nonsense.
Genome position (GRCh38, 1-based): chr12:132,044,291, C>T. VCF-style: chr12-132044291-C-T. GRCh37 (hg19) VCF-style: chr12-132528836-C-T.
Other names: short protein forms R2189*.
Identifiers: ClinVar variation 3257270 (VCV003257270.17).
Genomic context (GRCh38, chr12:132,044,291, plus strand): 5'-CAGGAGAGGGAGGCCCGGCTGCGGCTGGAGCAGGAGGAGGCGGAGCTCCTGACCTACACG[C>T]GAGAGGATGCCTACAGCATGGTACCCGGCCCGGGGCCCTCCTGCCCTCTTGCCCCCCTGC-3'